The following is an entry in ClinVar:

NM_001375524.1(TRRAP):c.11086G>A (p.Ala3696Thr)

Gene: TRRAP (transformation/transcription domain associated protein; plus strand). Cytogenetic location: 7q22.1.
Variant type: single nucleotide variant.
Coding change: c.11086G>A on transcript NM_001375524.1 (MANE Select); coding-DNA position 11086, G replaced by A.
Protein change: p.Ala3696Thr; replaces alanine 3696 with threonine.
Molecular consequence: missense variant.
Genome position (GRCh38, 1-based): chr7:99,011,199, G>A. VCF-style: chr7-99011199-G-A. GRCh37 (hg19) VCF-style: chr7-98608822-G-A.
Other names: c.11044G>A, p.Ala3682Thr (NM_001244580.2); c.10957G>A, p.Ala3653Thr (NM_003496.4); short protein forms A3653T, A3682T, A3696T.
Identifiers: ClinVar variation 4806392 (VCV004806392.1).
Genomic context (GRCh38, chr7:99,011,199, plus strand): 5'-GCCACGGACTACTGGACGTTCCGGAAGATGTTCACCATCCAGCTGGCTCTGATAGGCTTC[G>A]CGGAATTCGTCCTGCATTTAAATAGACTCAACCCCGAGATGTTACAGATCGCTCAGGTAA-3'
Protein context (NP_001362453.1, residues 3686-3706): FTIQLALIGF[Ala3696Thr]EFVLHLNRLN

ClinVar aggregate classification (germline): Uncertain significance (1 of 4 stars; one submission).

gnomAD v4.1: 22 of 1,614,110 alleles (0.0014%); highest among the groups gnomAD compares: South Asian, 0.0022%; no homozygotes.

Submission:

Labcorp Genetics (formerly Invitae), Labcorp
Classification: Uncertain significance. Last evaluated: 2025-03-31. Review status: criteria provided, single submitter. Criteria: Invitae Variant Classification Sherloc (09022015). Collection method: clinical testing. Allele origin: germline.
Comment: This sequence change replaces alanine, which is neutral and non-polar, with threonine, which is neutral and polar, at codon 3653 of the TRRAP protein (p.Ala3653Thr). This variant is present in population databases (rs142457501, gnomAD 0.01%). This variant has not been reported in the literature in individuals affected with TRRAP-related conditions. Invitae Evidence Modeling of protein sequence and biophysical properties (such as structural, functional, and spatial information, amino acid conservation, physicochemical variation, residue mobility, and thermodynamic stability) indicates that this missense variant is not expected to disrupt TRRAP protein function with a negative predictive value of 80%. In summary, the available evidence is currently insufficient to determine the role of this variant in disease. Therefore, it has been classified as a Variant of Uncertain Significance.